The following is an entry in ClinVar:

ClinVar aggregate classification (germline): Likely benign. Review status: criteria provided, multiple submitters, no conflicts (2 of 4 stars). 4 submissions from 4 submitters: Likely benign (4). Last evaluated 2026-08-01.

Allele frequency attached by ClinVar (database versions not stated): TOPMed 0.00008.
gnomAD v4.1: 216 of 1,614,074 alleles (0.013%); highest among the groups gnomAD compares: Non-Finnish European, 0.016%; no homozygotes.

Submissions (4):

CeGaT Center for Human Genetics Tuebingen
Classification: Likely benign. Last evaluated: 2026-08-01. Review status: criteria provided, single submitter. Criteria: CeGaT Center For Human Genetics Tuebingen Variant Classification Criteria Version 2. Collection method: clinical testing. Allele origin: germline. Affected: yes. Observed: 1 variant allele.
Comment: CACNA1D: BP4, BP7

Labcorp Genetics (formerly Invitae), Labcorp
Classification: Likely benign. Last evaluated: 2025-12-03. Review status: criteria provided, single submitter. Criteria: Invitae Variant Classification Sherloc (09022015). Collection method: clinical testing. Allele origin: germline.

Blueprint Genetics
Classification: Likely benign. Last evaluated: 2024-11-15. Review status: criteria provided, single submitter. Criteria: ACMG Guidelines, 2015. Collection method: clinical testing. Allele origin: germline.

GeneDx
Classification: Likely benign. Last evaluated: 2019-09-16. Review status: criteria provided, single submitter. Criteria: GeneDx Variant Classification Process June 2021. Collection method: clinical testing. Allele origin: germline. Affected: yes.

NM_001128840.3(CACNA1D):c.3279G>T (p.Ala1093=)

Gene: CACNA1D (calcium voltage-gated channel subunit alpha1 D; plus strand). Cytogenetic location: 3p21.1.
Variant type: single nucleotide variant.
Coding change: c.3279G>T on transcript NM_001128840.3 (MANE Select); coding-DNA position 3279, G replaced by T.
Protein change: p.Ala1093=; no amino-acid change (alanine 1093 retained).
Molecular consequence: synonymous variant.
Genome position (GRCh38, 1-based): chr3:53,747,413, G>T. VCF-style: chr3-53747413-G-T. GRCh37 (hg19) VCF-style: chr3-53781440-G-T.
Other names: c.3339G>T, p.Ala1113= (NM_000720.4); c.3279G>T, p.Ala1093= (NM_001128839.3).
Identifiers: ClinVar variation 681843 (VCV000681843.11), dbSNP rs36061665, ClinGen allele CA2454511.